The following is an entry in ClinVar:

ClinVar aggregate classification (germline): Uncertain significance (1 of 4 stars; one submission).

Conditions:
Inborn genetic diseases. Identifiers: MedGen C0950123, MeSH D030342.

Submission:

Ambry Genetics
Classification: Uncertain significance for Inborn genetic diseases. Last evaluated: 2025-02-20. Review status: criteria provided, single submitter. Criteria: Ambry Variant Classification Scheme 2023. Collection method: clinical testing. Allele origin: germline.
Comment: The p.S1143R variant (also known as c.3429C>A), located in coding exon 1 of the SAMD9L gene, results from a C to A substitution at nucleotide position 3429. The serine at codon 1143 is replaced by arginine, an amino acid with dissimilar properties. This amino acid position is conserved. In addition, this alteration is predicted to be tolerated by in silico analysis. Based on the available evidence, the clinical significance of this variant remains unclear.

NM_152703.5(SAMD9L):c.3429C>A (p.Ser1143Arg)

Gene: SAMD9L (sterile alpha motif domain containing 9 like; minus strand). Cytogenetic location: 7q21.2.
Variant type: single nucleotide variant.
Coding change: c.3429C>A on transcript NM_152703.5 (MANE Select); coding-DNA position 3429, C replaced by A.
Protein change: p.Ser1143Arg; replaces serine 1143 with arginine.
Molecular consequence: missense variant.
Genome position (GRCh38, 1-based): chr7:93,132,543, G>T on the plus strand (C>A on the coding strand, the complement: SAMD9L is on the minus strand). VCF-style: chr7-93132543-G-T. GRCh37 (hg19) VCF-style: chr7-92761856-G-T.
Other names: c.3429C>A, p.Ser1143Arg (NM_001303496.3, NM_001303497.3, NM_001303498.3 and 5 more transcripts); short protein forms S1143R.
Identifiers: ClinVar variation 3792437 (VCV003792437.1).